The following is an entry in ClinVar:

NM_000834.5(GRIN2B):c.2360-75T>C

Gene: GRIN2B (glutamate ionotropic receptor NMDA type subunit 2B; minus strand). Cytogenetic location: 12p13.1.
Variant type: single nucleotide variant.
Coding change: c.2360-75T>C on transcript NM_000834.5 (MANE Select); 75 bases into the intron before coding-DNA position 2360, T replaced by C.
Molecular consequence: intron variant.
Genome position (GRCh38, 1-based): chr12:13,567,338, A>G on the plus strand (T>C on the coding strand, the complement: GRIN2B is on the minus strand). VCF-style: chr12-13567338-A-G. GRCh37 (hg19) VCF-style: chr12-13720272-A-G.
Identifiers: ClinVar variation 1237999 (VCV001237999.6), dbSNP rs4764010, ClinGen allele CA13706270.

ClinVar aggregate classification (germline): Benign. Review status: criteria provided, multiple submitters, no conflicts (2 of 4 stars). 3 submissions from 3 submitters: Benign (3). Last evaluated 2024-07-15.

Allele frequency attached by ClinVar (database versions not stated): 1000 Genomes Project 30x 0.93488; 1000 Genomes Project 0.93950; TOPMed 0.94281; gnomAD 0.94560 and 0.94923.

Submissions (3):

Unidad de Genómica Garrahan, Hospital de Pediatría Garrahan
Classification: Benign. Last evaluated: 2024-07-15. Review status: criteria provided, single submitter. Criteria: ACMG Guidelines, 2015. Collection method: clinical testing. Allele origin: germline. Affected: no. Observed: 29 variant alleles.
Comment: This variant is classified as Benign based on local population frequency. This variant was detected in 31% of patients studied in a panel designed for Epileptic and Developmental Encephalopathy and Progressive Myoclonus Epilepsy. Number of patients: 29. Only high quality variants are reported.

GeneDx
Classification: Benign. Last evaluated: 2018-06-25. Review status: criteria provided, single submitter. Criteria: GeneDx Variant Classification Process June 2021. Collection method: clinical testing. Allele origin: germline. Affected: yes.

Breakthrough Genomics
Classification: Benign. Review status: criteria provided, single submitter. Criteria: ACMG Guidelines, 2015. Collection method: not provided. Allele origin: germline. Inheritance: Autosomal dominant inheritance. Affected: yes.